The following is an entry in ClinVar:

NM_004733.4(SLC33A1):c.43C>T (p.Arg15Trp)

Gene: SLC33A1 (solute carrier family 33 member 1; minus strand). Cytogenetic location: 3q25.31.
Variant type: single nucleotide variant.
Coding change: c.43C>T on transcript NM_004733.4 (MANE Select); coding-DNA position 43, C replaced by T.
Protein change: p.Arg15Trp; replaces arginine 15 with tryptophan.
Molecular consequence: missense variant.
Genome position (GRCh38, 1-based): chr3:155,853,955, G>A on the plus strand (C>T on the coding strand, the complement: SLC33A1 is on the minus strand). VCF-style: chr3-155853955-G-A. GRCh37 (hg19) VCF-style: chr3-155571744-G-A.
Other names: c.43C>T, p.Arg15Trp (NM_001190992.2, NM_001363883.1); short protein forms R15W.
Identifiers: ClinVar variation 1426498 (VCV001426498.9), dbSNP rs745782500, ClinGen allele CA85833912.

ClinVar aggregate classification (germline): Uncertain significance. Review status: criteria provided, multiple submitters, no conflicts (2 of 4 stars). 2 submissions from 2 submitters: Uncertain significance (2). Last evaluated 2021-07-13.

Conditions:
Spastic paraplegia. Identifiers: MedGen C0037772, HP:0001258.

Allele frequency attached by ClinVar (database versions not stated): gnomAD exomes below 0.00001 and 0.00001; TOPMed 0.00001.

Submissions (2):

Labcorp Genetics (formerly Invitae), Labcorp
Classification: Uncertain significance for Spastic paraplegia. Last evaluated: 2021-07-13. Review status: criteria provided, single submitter. Criteria: Invitae Variant Classification Sherloc (09022015). Collection method: clinical testing. Allele origin: germline.
Comment: This sequence change replaces arginine with tryptophan at codon 15 of the SLC33A1 protein (p.Arg15Trp). The arginine residue is moderately conserved and there is a moderate physicochemical difference between arginine and tryptophan. In summary, the available evidence is currently insufficient to determine the role of this variant in disease. Therefore, it has been classified as a Variant of Uncertain Significance. Algorithms developed to predict the effect of sequence changes on RNA splicing suggest that this variant may create or strengthen a splice site. Algorithms developed to predict the effect of missense changes on protein structure and function are either unavailable or do not agree on the potential impact of this missense change (SIFT: "Deleterious"; PolyPhen-2: "Possibly Damaging"; Align-GVGD: "Class C0"). This variant has not been reported in the literature in individuals affected with SLC33A1-related conditions. This variant is not present in population databases (ExAC no frequency).

Breakthrough Genomics
Classification: Uncertain significance. Review status: criteria provided, single submitter. Criteria: ACMG Guidelines, 2015. Collection method: not provided. Allele origin: germline. Inheritance: Autosomal recessive inheritance. Affected: yes.